The following is an entry in ClinVar:

NM_006031.6(PCNT):c.8639C>T (p.Pro2880Leu)

Gene: PCNT (pericentrin; plus strand). Cytogenetic location: 21q22.3.
Variant type: single nucleotide variant.
Coding change: c.8639C>T on transcript NM_006031.6 (MANE Select); coding-DNA position 8639, C replaced by T.
Protein change: p.Pro2880Leu; replaces proline 2880 with leucine.
Molecular consequence: missense variant. On other transcripts: intron variant (1).
Genome position (GRCh38, 1-based): chr21:46,432,103, C>T. VCF-style: chr21-46432103-C-T. GRCh37 (hg19) VCF-style: chr21-47852017-C-T.
Other names: c.8160+125C>T (NM_001315529.2); short protein forms P2880L.
Identifiers: ClinVar variation 5001160 (VCV005001160.1).

ClinVar aggregate classification (germline): Uncertain significance (1 of 4 stars; one submission).

Conditions:
PCNT-related disorder. Also called: PCNT-related condition.

Submission:

PreventionGenetics, part of Exact Sciences
Classification: Uncertain significance for PCNT-related condition. Last evaluated: 2024-12-10. Review status: criteria provided, single submitter. Criteria: ACMG Guidelines, 2015. Collection method: clinical testing. Allele origin: germline.
Comment: The PCNT c.8639C>T variant is predicted to result in the amino acid substitution p.Pro2880Leu. To our knowledge, this variant has not been reported in the literature or in a large population database (gnomAD), indicating this variant is rare. At this time, the clinical significance of this variant is uncertain due to the absence of conclusive functional and genetic evidence.